The following is an entry in ClinVar:

NM_004309.6(ARHGDIA):c.185C>T (p.Ser62Phe)

Genes: ARHGDIA (Rho GDP dissociation inhibitor alpha; minus strand), LOC130061974 (ATAC-STARR-seq lymphoblastoid active region 12981; plus strand). Cytogenetic location: 17q25.3.
Variant type: single nucleotide variant.
Coding change: c.185C>T on transcript NM_004309.6 (MANE Select); coding-DNA position 185, C replaced by T.
Protein change: p.Ser62Phe; replaces serine 62 with phenylalanine.
Molecular consequence: missense variant. On other transcripts: non-coding transcript variant (1).
Genome position (GRCh38, 1-based): chr17:81,869,746, G>A on the plus strand (C>T on the coding strand, the complement: ARHGDIA is on the minus strand). VCF-style: chr17-81869746-G-A. GRCh37 (hg19) VCF-style: chr17-79827622-G-A.
Other names: c.185C>T, p.Ser62Phe (NM_001185077.3, NM_001185078.3, NM_001301240.2 and 3 more transcripts); c.185C>T (NM_001185077.1); short protein forms S62F.
Identifiers: ClinVar variation 2443616 (VCV002443616.2), dbSNP rs34878463, ClinGen allele CA295138903.
Genomic context (GRCh38, chr17:81,869,746, plus strand): 5'-GGCAAGACAGCTGGAGTGAACGGGCGGCCACCCGGCTCCCGCAGCCCAGACTCACCTGCG[G>A]AAACGGCCACGCGGCCCAGCAGGGCCTCCTTGTACTTTCGCAGGCTCTCGTCGTCCTTGT-3'
Protein context (NP_004300.1, residues 52-72): KEALLGRVAV[Ser62Phe]ADPNVPNVVV

ClinVar aggregate classification (germline): Uncertain significance. Review status: criteria provided, multiple submitters, no conflicts (2 of 4 stars). 2 submissions from 2 submitters: Uncertain significance (2). Last evaluated 2024-03-07.

Conditions:
Inborn genetic diseases. Identifiers: MedGen C0950123, MeSH D030342.

Allele frequency attached by ClinVar (database versions not stated): gnomAD 0.00001.

Submissions (2):

Ambry Genetics
Classification: Uncertain significance for Inborn genetic diseases. Last evaluated: 2024-03-07. Review status: criteria provided, single submitter. Criteria: Ambry Variant Classification Scheme 2023. Collection method: clinical testing. Allele origin: germline.

GeneDx
Classification: Uncertain significance. Last evaluated: 2022-09-06. Review status: criteria provided, single submitter. Criteria: GeneDx Variant Classification Process June 2021. Collection method: clinical testing. Allele origin: germline. Affected: yes.
Comment: Not observed at significant frequency in large population cohorts (gnomAD); In silico analysis supports that this missense variant does not alter protein structure/function; Has not been previously published as pathogenic or benign to our knowledge